The following is an entry in ClinVar:

ClinVar aggregate classification (germline): Uncertain significance (1 of 4 stars; one submission).

gnomAD v4.1: 17 of 1,596,038 alleles (0.0011%); highest among the groups gnomAD compares: Non-Finnish European, 0.0014%; no homozygotes.

Submission:

Labcorp Genetics (formerly Invitae), Labcorp
Classification: Uncertain significance. Last evaluated: 2025-10-19. Review status: criteria provided, single submitter. Criteria: Invitae Variant Classification Sherloc (09022015). Collection method: clinical testing. Allele origin: germline.
Comment: This sequence change replaces threonine, which is neutral and polar, with arginine, which is basic and polar, at codon 97 of the GFM2 protein (p.Thr97Arg). This variant is present in population databases (no rsID available, gnomAD 0.01%). This variant has not been reported in the literature in individuals affected with GFM2-related conditions. Invitae Evidence Modeling of protein sequence and biophysical properties (such as structural, functional, and spatial information, amino acid conservation, physicochemical variation, residue mobility, and thermodynamic stability) has been performed for this missense variant. However, the output from this modeling did not meet the statistical confidence thresholds required to predict the impact of this variant on GFM2 protein function. In summary, the available evidence is currently insufficient to determine the role of this variant in disease. Therefore, it has been classified as a Variant of Uncertain Significance.

NM_032380.5(GFM2):c.290C>G (p.Thr97Arg)

Gene: GFM2 (GTP dependent ribosome recycling factor mitochondrial 2; minus strand). Cytogenetic location: 5q13.3.
Variant type: single nucleotide variant.
Coding change: c.290C>G on transcript NM_032380.5 (MANE Select); coding-DNA position 290, C replaced by G.
Protein change: p.Thr97Arg; replaces threonine 97 with arginine.
Molecular consequence: missense variant. On other transcripts: non-coding transcript variant (1).
Genome position (GRCh38, 1-based): chr5:74,758,863, G>C on the plus strand (C>G on the coding strand, the complement: GFM2 is on the minus strand). VCF-style: chr5-74758863-G-C. GRCh37 (hg19) VCF-style: chr5-74054688-G-C.
Other names: c.386C>G, p.Thr129Arg (NM_001281302.2); c.290C>G, p.Thr97Arg (NM_170681.3, NM_170691.3); short protein forms T129R, T97R.
Identifiers: ClinVar variation 4780387 (VCV004780387.1).
Genomic context (GRCh38, chr5:74,758,863, plus strand): 5'-TGCTTTTGCTAATGGGGGGGTGGGAAGAGGAGGAATCCATTCTAACCTCCCAGTGATCTT[G>C]TATATCCGGAATAGTACAATATTCTTTCTGTGGTGGTAGTTTTGCCTGCATCAATATGAG-3'
Protein context (NP_115756.2, residues 87-107): TERILYYSGY[Thr97Arg]RSLGDVDDGD